The following is an entry in ClinVar:

NM_000019.4(ACAT1):c.221del (p.Gly74fs)

Gene: ACAT1 (acetyl-CoA acetyltransferase 1; plus strand). Cytogenetic location: 11q22.3.
Variant type: Deletion.
Coding change: c.221del on transcript NM_000019.4 (MANE Select); coding-DNA position 221, one base deleted (G; older notation c.221delG).
Protein change: p.Gly74fs; shifts the reading frame from glycine 74.
Molecular consequence: frameshift variant. On other transcripts: 5 prime UTR variant (10), non-coding transcript variant (2), intron variant (1).
Genome position (GRCh38, 1-based): chr11:108,133,920, G deleted; the last of 3 consecutive G bases (chr11:108,133,918-108,133,920); deleting any one gives the same sequence. VCF-style (leftmost placement, unchanged base first): chr11-108133917-AG-A. GRCh37 (hg19) VCF-style: chr11-108004644-AG-A.
Other names: c.221del, p.Gly74fs (NM_001386677.1); c.-57del (NM_001386679.1); c.-50del (NM_001386681.1, NM_001386682.1, NM_001386685.1 and 6 more transcripts); c.120+1966del (NM_001386678.1); short protein forms G74fs.
Identifiers: ClinVar variation 5014707 (VCV005014707.1).

ClinVar aggregate classification (germline): Pathogenic (1 of 4 stars; one submission).

Conditions:
Deficiency of acetyl-CoA acetyltransferase. Also called: 3-KETOTHIOLASE DEFICIENCY; 3-OXOTHIOLASE DEFICIENCY; MITOCHONDRIAL ACETOACETYL-CoA THIOLASE DEFICIENCY; Beta-ketothiolase deficiency. Identifiers: Orphanet 134, MedGen C1536500, MONDO:0008760, OMIM 203750. Disease mechanism: loss of function.

Submission:

Myriad Genetics, Inc.
Classification: Pathogenic for Deficiency of acetyl-CoA acetyltransferase. Last evaluated: 2025-07-12. Review status: criteria provided, single submitter. Criteria: Myriad Autosomal Dominant, Autosomal Recessive and X-Linked Classification Criteria (2023). Collection method: clinical testing. Allele origin: unknown.
Comment: NM_000019.3(ACAT1):c.221delG(G74Efs*13) is expected to be pathogenic in the context of beta-ketothiolase deficiency. This variant is predicted to lead to an abnormal or absent protein product due to the creation of a premature termination codon in ACAT1, a gene where loss-of-function variants are known to be pathogenic. Please note: this variant was assessed in the context of healthy population screening.